The following is an entry in ClinVar:

ClinVar aggregate classification (germline): Pathogenic (1 of 4 stars; one submission).

Submission:

Labcorp Genetics (formerly Invitae), Labcorp
Classification: Pathogenic. Last evaluated: 2024-03-07. Review status: criteria provided, single submitter. Criteria: Invitae Variant Classification Sherloc (09022015). Collection method: clinical testing. Allele origin: germline.
Comment: This sequence change creates a premature translational stop signal (p.Ala12Profs*71) in the GP9 gene. While this is not anticipated to result in nonsense mediated decay, it is expected to disrupt the last 166 amino acid(s) of the GP9 protein. This variant is not present in population databases (gnomAD no frequency). This variant has not been reported in the literature in individuals affected with GP9-related conditions. This variant disrupts a region of the GP9 protein in which other variant(s) (p.Phe71Ser) have been determined to be pathogenic (PMID: 9163595, 21699652, 25539746, 28395735, 29636940). This suggests that this is a clinically significant region of the protein, and that variants that disrupt it are likely to be disease-causing. For these reasons, this variant has been classified as Pathogenic.

Literature cited by the submitters: PubMed 9163595; PubMed 21699652; PubMed 25539746; PubMed 28395735; PubMed 29636940.

NM_000174.5(GP9):c.34del (p.Ala12fs)

Gene: GP9 (glycoprotein IX platelet; plus strand). Cytogenetic location: 3q21.3.
Variant type: Deletion.
Coding change: c.34del on transcript NM_000174.5 (MANE Select); coding-DNA position 34, one base deleted (G; older notation c.34delG).
Protein change: p.Ala12fs; shifts the reading frame from alanine 12.
Molecular consequence: frameshift variant.
Genome position (GRCh38, 1-based): chr3:129,061,773, G deleted; the last of 3 consecutive G bases (chr3:129,061,771-129,061,773); deleting any one gives the same sequence. VCF-style (leftmost placement, unchanged base first): chr3-129061770-TG-T. GRCh37 (hg19) VCF-style: chr3-128780613-TG-T.
Other names: short protein forms A12fs.
Identifiers: ClinVar variation 3644914 (VCV003644914.2).